The following is an entry in ClinVar:

NM_001377236.1(AHRR):c.1314G>A (p.Pro438=)

Genes: AHRR (aryl hydrocarbon receptor repressor; plus strand), PDCD6-AHRR (PDCD6-AHRR readthrough (NMD candidate); plus strand). Cytogenetic location: 5p15.33.
Variant type: single nucleotide variant.
Coding change: c.1314G>A on transcript NM_001377236.1 (MANE Select); coding-DNA position 1314, G replaced by A.
Protein change: p.Pro438=; no amino-acid change (proline 438 retained).
Molecular consequence: synonymous variant. On other transcripts: non-coding transcript variant (2).
Genome position (GRCh38, 1-based): chr5:434,054, G>A. VCF-style: chr5-434054-G-A. GRCh37 (hg19) VCF-style: chr5-434169-G-A.
Other names: c.1314G>A, p.Pro438= (NM_001377239.1).
Identifiers: ClinVar variation 2655247 (VCV002655247.24), dbSNP rs370604768, ClinGen allele CA3174446.

ClinVar aggregate classification (germline): Likely benign (1 of 4 stars; one submission).

Allele frequency attached by ClinVar (database versions not stated): TOPMed 0.00019; 1000 Genomes Project 0.00020; 1000 Genomes Project 30x 0.00031; gnomAD 0.00040; ExAC 0.00100.

Submission:

CeGaT Center for Human Genetics Tuebingen
Classification: Likely benign. Last evaluated: 2022-11-01. Review status: criteria provided, single submitter. Criteria: CeGaT Center For Human Genetics Tuebingen Variant Classification Criteria Version 2. Collection method: clinical testing. Allele origin: germline. Affected: yes. Observed: 1 variant allele.
Comment: AHRR: BP4, BP7